The following is an entry in ClinVar:

NM_002691.4(POLD1):c.1371G>T (p.Met457Ile)

Gene: POLD1 (DNA polymerase delta 1, catalytic subunit; plus strand). Cytogenetic location: 19q13.33.
Variant type: single nucleotide variant.
Coding change: c.1371G>T on transcript NM_002691.4 (MANE Select); coding-DNA position 1371, G replaced by T.
Protein change: p.Met457Ile; replaces methionine 457 with isoleucine.
Molecular consequence: missense variant. On other transcripts: non-coding transcript variant (1).
Genome position (GRCh38, 1-based): chr19:50,406,310, G>T. VCF-style: chr19-50406310-G-T. GRCh37 (hg19) VCF-style: chr19-50909567-G-T.
Other names: c.1371G>T, p.Met457Ile (NM_001256849.1, NM_001308632.1); c.1371G>T (NM_002691.2); short protein forms M457I.
Identifiers: ClinVar variation 469193 (VCV000469193.15), dbSNP rs1457008478, ClinGen allele CA406979970.

ClinVar aggregate classification (germline): Uncertain significance. Review status: criteria provided, multiple submitters, no conflicts (2 of 4 stars). 5 submissions from 5 submitters: Uncertain significance (4). 1 of the submissions does not count toward it. Last evaluated 2024-05-28.

Conditions:
POLD1-related polyposis and colorectal cancer syndrome (CRCS10). Also called: Colorectal cancer 10; COLORECTAL CANCER, SUSCEPTIBILITY TO, ON CHROMOSOME 19q; Colorectal cancer, susceptibility to, 10. Identifiers: Orphanet 220460, MedGen C2675481, MONDO:0012953, OMIM 612591.
Hereditary cancer-predisposing syndrome. Also called: Neoplastic Syndromes, Hereditary; Hereditary neoplastic syndrome; Tumor predisposition; Hereditary Cancer Syndrome. Identifiers: Orphanet 140162, MedGen C0027672, MeSH D009386, MONDO:0015356.

Allele frequency attached by ClinVar (database versions not stated): gnomAD exomes below 0.00001.
gnomAD v4.1: 1 of 1,613,978 alleles (0.000062%); highest among the groups gnomAD compares: South Asian, 0.0011%; no homozygotes.

Submissions (5):

Ambry Genetics
Classification: Uncertain significance for Hereditary cancer-predisposing syndrome. Last evaluated: 2024-05-28. Review status: criteria provided, single submitter. Criteria: Ambry Variant Classification Scheme 2023. Collection method: clinical testing. Allele origin: germline.
Comment: The p.M457I variant (also known as c.1371G>T), located in coding exon 10 of the POLD1 gene, results from a G to T substitution at nucleotide position 1371. The methionine at codon 457 is replaced by isoleucine, an amino acid with highly similar properties. This amino acid position is conserved. In addition, this alteration is predicted to be tolerated by in silico analysis. Since supporting evidence is limited at this time, the clinical significance of this alteration remains unclear.

Labcorp Genetics (formerly Invitae), Labcorp
Classification: Uncertain significance for POLD1-related polyposis and colorectal cancer syndrome. Last evaluated: 2024-05-10. Review status: criteria provided, single submitter. Criteria: Invitae Variant Classification Sherloc (09022015). Collection method: clinical testing. Allele origin: germline.
Comment: This sequence change replaces methionine, which is neutral and non-polar, with isoleucine, which is neutral and non-polar, at codon 457 of the POLD1 protein (p.Met457Ile). This variant is present in population databases (no rsID available, gnomAD 0.003%). This variant has not been reported in the literature in individuals affected with POLD1-related conditions. ClinVar contains an entry for this variant (Variation ID: 469193). Advanced modeling of protein sequence and biophysical properties (such as structural, functional, and spatial information, amino acid conservation, physicochemical variation, residue mobility, and thermodynamic stability) performed at Invitae indicates that this missense variant is not expected to disrupt POLD1 protein function with a negative predictive value of 80%. In summary, the available evidence is currently insufficient to determine the role of this variant in disease. Therefore, it has been classified as a Variant of Uncertain Significance.

Baylor Genetics
Classification: Uncertain significance for POLD1-related polyposis and colorectal cancer syndrome. Last evaluated: 2023-05-24. Review status: criteria provided, single submitter. Criteria: ACMG Guidelines, 2015. Collection method: clinical testing. Allele origin: unknown.

Myriad Genetics, Inc.
Classification: Uncertain significance for POLD1-related polyposis and colorectal cancer syndrome. Last evaluated: 2023-04-19. Review status: criteria provided, single submitter. Criteria: Myriad Autosomal Dominant, Autosomal Recessive and X-Linked Classification Criteria (2023). Collection method: clinical testing. Allele origin: unknown.
Comment: This variant is classified as a variant of uncertain significance as there is insufficient evidence to determine its impact on protein function and/or cancer risk.

Counsyl
Classification: Uncertain significance for POLD1-related polyposis and colorectal cancer syndrome. Last evaluated: 2018-05-29. Review status: no assertion criteria provided. Collection method: clinical testing. Allele origin: unknown. Not counted in ClinVar's aggregate classification.